The following is an entry in ClinVar:

ClinVar aggregate classification (germline): Uncertain significance. Review status: criteria provided, multiple submitters, no conflicts (2 of 4 stars). 6 submissions from 6 submitters: Uncertain significance (4). 2 of the submissions do not count toward it. Last evaluated 2024-07-05.

Conditions:
Usher syndrome type 1 (USH1). Also called: RETINITIS PIGMENTOSA AND CONGENITAL DEAFNESS. Identifiers: Orphanet 231169, Orphanet 886, MedGen C1568247, MONDO:0010168, OMIM 276900.
Autosomal recessive nonsyndromic hearing loss 12. Also called: DEAFNESS, AUTOSOMAL RECESSIVE 12. Identifiers: Orphanet 90636, MedGen C1832394, MONDO:0011067, OMIM 601386.

Allele frequency attached by ClinVar (database versions not stated): gnomAD 0.00001; gnomAD exomes 0.00001 and 0.00003; TOPMed 0.00001; ExAC 0.00002.
gnomAD v4.1: 44 of 1,613,868 alleles (0.0027%); highest among the groups gnomAD compares: Non-Finnish European, 0.0031%; no homozygotes.

Submissions (6):

GeneDx
Classification: Uncertain significance. Last evaluated: 2024-07-05. Review status: criteria provided, single submitter. Criteria: GeneDx Variant Classification Process June 2021. Collection method: clinical testing. Allele origin: germline. Affected: yes.
Comment: Identified in a patient with bilateral sensorineural hearing loss who also harbored a variant in the MYO6 gene and POU4F3 gene in published literature (PMID: 29907799); Not observed at significant frequency in large population cohorts (gnomAD); In silico analysis indicates that this missense variant does not alter protein structure/function; This variant is associated with the following publications: (PMID: 29907799)

Blueprint Genetics
Classification: Uncertain significance. Last evaluated: 2023-09-01. Review status: criteria provided, single submitter. Criteria: ACMG Guidelines, 2015. Collection method: clinical testing. Allele origin: germline.

Labcorp Genetics (formerly Invitae), Labcorp
Classification: Uncertain significance. Last evaluated: 2022-02-15. Review status: criteria provided, single submitter. Criteria: Invitae Variant Classification Sherloc (09022015). Collection method: clinical testing. Allele origin: germline.
Comment: This sequence change replaces arginine, which is basic and polar, with glutamine, which is neutral and polar, at codon 2506 of the CDH23 protein (p.Arg2506Gln). This variant is present in population databases (rs727502932, gnomAD 0.003%). This variant has not been reported in the literature in individuals affected with CDH23-related conditions. ClinVar contains an entry for this variant (Variation ID: 162942). Algorithms developed to predict the effect of missense changes on protein structure and function are either unavailable or do not agree on the potential impact of this missense change (SIFT: "Deleterious"; PolyPhen-2: "Not Available"; Align-GVGD: "Class C0"). Algorithms developed to predict the effect of sequence changes on RNA splicing suggest that this variant may create or strengthen a splice site. In summary, the available evidence is currently insufficient to determine the role of this variant in disease. Therefore, it has been classified as a Variant of Uncertain Significance.

Laboratory for Molecular Medicine, Mass General Brigham Personalized Medicine
Classification: Uncertain significance. Last evaluated: 2014-04-04. Review status: criteria provided, single submitter. Criteria: LMM Criteria. Collection method: clinical testing. Allele origin: germline. Observed: 1 variant allele.
Comment: The Arg2506Gln variant in CDH23 has not been previously reported in individuals with hearing loss and was absent from large population studies. Computational pr ediction tools and conservation analyses suggest that the Arg2506Gln variant may impact the protein, though this information is not predictive enough to determi ne pathogenicity. In summary, additional information is needed to determine th e clinical significance of this variant.

Natera, Inc.
Classification: Uncertain significance for Usher syndrome type 1. Last evaluated: 2020-04-17. Review status: no assertion criteria provided. Collection method: clinical testing. Allele origin: germline. Not counted in ClinVar's aggregate classification.

Division of Human Genetics, Children's Hospital of Philadelphia
Classification: Uncertain significance for Autosomal recessive nonsyndromic hearing loss 12. Last evaluated: 2015-10-27. Review status: no assertion criteria provided. Collection method: research. Allele origin: paternal. Affected: yes. Study: CSER-PediSeq. Not counted in ClinVar's aggregate classification.

NM_022124.6(CDH23):c.7517G>A (p.Arg2506Gln)

Gene: CDH23 (cadherin related 23; plus strand). Cytogenetic location: 10q22.1.
Variant type: single nucleotide variant.
Coding change: c.7517G>A on transcript NM_022124.6 (MANE Select); coding-DNA position 7517, G replaced by A.
Protein change: p.Arg2506Gln; replaces arginine 2506 with glutamine.
Molecular consequence: missense variant.
Genome position (GRCh38, 1-based): chr10:71,802,932, G>A. VCF-style: chr10-71802932-G-A. GRCh37 (hg19) VCF-style: chr10-73562689-G-A.
Other names: c.797G>A, p.Arg266Gln (NM_001171933.1, NM_001171934.1); short protein forms R2506Q, R266Q.
Identifiers: ClinVar variation 162942 (VCV000162942.9), dbSNP rs727502932, ClinGen allele CA175517.